The following is an entry in ClinVar:

ClinVar aggregate classification (germline): Uncertain significance (1 of 4 stars; one submission).

Conditions:
Hereditary cancer-predisposing syndrome. Also called: Tumor predisposition; Neoplastic Syndromes, Hereditary; Hereditary Cancer Syndrome; Hereditary neoplastic syndrome. Identifiers: Orphanet 140162, MedGen C0027672, MeSH D009386, MONDO:0015356.

Submission:

Ambry Genetics
Classification: Uncertain significance for Hereditary cancer-predisposing syndrome. Last evaluated: 2025-01-08. Review status: criteria provided, single submitter. Criteria: Ambry Variant Classification Scheme 2023. Collection method: clinical testing. Allele origin: germline.
Comment: The p.T824I variant (also known as c.2471C>T), located in coding exon 15 of the PMS2 gene, results from a C to T substitution at nucleotide position 2471. The threonine at codon 824 is replaced by isoleucine, an amino acid with similar properties. This amino acid position is conserved. In addition, this alteration is predicted to be tolerated by in silico analysis. Based on the available evidence, the clinical significance of this variant remains unclear.

NM_000535.7(PMS2):c.2471C>T (p.Thr824Ile)

Gene: PMS2 (PMS1 homolog 2, mismatch repair system component; minus strand). Cytogenetic location: 7p22.1.
Variant type: single nucleotide variant.
Coding change: c.2471C>T on transcript NM_000535.7 (MANE Select); coding-DNA position 2471, C replaced by T.
Protein change: p.Thr824Ile; replaces threonine 824 with isoleucine.
Molecular consequence: missense variant. On other transcripts: non-coding transcript variant (1).
Genome position (GRCh38, 1-based): chr7:5,973,517, G>A on the plus strand (C>T on the coding strand, the complement: PMS2 is on the minus strand). VCF-style: chr7-5973517-G-A. GRCh37 (hg19) VCF-style: chr7-6013148-G-A.
Other names: c.2066C>T, p.Thr689Ile (NM_001322003.2, NM_001322004.2, NM_001322005.2 and 11 more transcripts); c.2315C>T, p.Thr772Ile (NM_001322006.2); c.2153C>T, p.Thr718Ile (NM_001322007.2, NM_001322008.2, NM_001406883.1); c.2099C>T, p.Thr700Ile (NM_001322009.2, NM_001406887.1, NM_001406888.1); c.1910C>T, p.Thr637Ile (NM_001322010.2, NM_001406906.1, NM_001406907.1); c.1538C>T, p.Thr513Ile (NM_001322011.2, NM_001322012.2); c.1898C>T, p.Thr633Ile (NM_001322013.2, NM_001406908.1, NM_001406909.1); c.2504C>T, p.Thr835Ile (NM_001322014.2); and 20 more; short protein forms T423I, T567I, T633I, T653I, T700I, T716I, T718I, T732I.
Identifiers: ClinVar variation 3890979 (VCV003890979.1).